The following is an entry in ClinVar:

ClinVar aggregate classification (germline): Uncertain significance (1 of 4 stars; one submission).

Conditions:
Fanconi anemia complementation group J. Also called: BRIP1-Related Fanconi Anemia. Identifiers: Orphanet 84, MedGen C1836860, MONDO:0012187, OMIM 609054.
Familial cancer of breast. Also called: BREAST CANCER, FAMILIAL; Hereditary breast cancer; hereditary breast carcinoma. Identifiers: Orphanet 227535, MedGen C0346153, MONDO:0016419, OMIM 114480. Disease mechanism: loss of function.

Submission:

Labcorp Genetics (formerly Invitae), Labcorp
Classification: Uncertain significance for Familial cancer of breast; Fanconi anemia complementation group J. Last evaluated: 2023-01-16. Review status: criteria provided, single submitter. Criteria: Invitae Variant Classification Sherloc (09022015). Collection method: clinical testing. Allele origin: germline.
Comment: Advanced modeling of protein sequence and biophysical properties (such as structural, functional, and spatial information, amino acid conservation, physicochemical variation, residue mobility, and thermodynamic stability) performed at Invitae indicates that this missense variant is not expected to disrupt BRIP1 protein function. In summary, the available evidence is currently insufficient to determine the role of this variant in disease. Therefore, it has been classified as a Variant of Uncertain Significance. This variant has not been reported in the literature in individuals affected with BRIP1-related conditions. This sequence change replaces lysine, which is basic and polar, with glutamine, which is neutral and polar, at codon 950 of the BRIP1 protein (p.Lys950Gln). This variant is not present in population databases (gnomAD no frequency).

NM_032043.3(BRIP1):c.2848A>C (p.Lys950Gln)

Gene: BRIP1 (BRCA1 interacting DNA helicase 1; minus strand). Cytogenetic location: 17q23.2.
Variant type: single nucleotide variant.
Coding change: c.2848A>C on transcript NM_032043.3 (MANE Select); coding-DNA position 2848, A replaced by C.
Protein change: p.Lys950Gln; replaces lysine 950 with glutamine.
Molecular consequence: missense variant.
Genome position (GRCh38, 1-based): chr17:61,685,893, T>G on the plus strand (A>C on the coding strand, the complement: BRIP1 is on the minus strand). VCF-style: chr17-61685893-T-G. GRCh37 (hg19) VCF-style: chr17-59763254-T-G.
Other names: short protein forms K950Q.
Identifiers: ClinVar variation 2943266 (VCV002943266.3), dbSNP rs2144109090, ClinGen allele CA400481339.